The following is an entry in ClinVar:

NM_012470.4(TNPO3):c.1165G>A (p.Val389Ile)

Gene: TNPO3 (transportin 3; minus strand). Cytogenetic location: 7q32.1.
Variant type: single nucleotide variant.
Coding change: c.1165G>A on transcript NM_012470.4 (MANE Select); coding-DNA position 1165, G replaced by A.
Protein change: p.Val389Ile; replaces valine 389 with isoleucine.
Molecular consequence: missense variant. On other transcripts: non-coding transcript variant (18), intron variant (1).
Genome position (GRCh38, 1-based): chr7:128,993,908, C>T on the plus strand (G>A on the coding strand, the complement: TNPO3 is on the minus strand). VCF-style: chr7-128993908-C-T. GRCh37 (hg19) VCF-style: chr7-128633962-C-T.
Other names: c.1165G>A, p.Val389Ile (NM_001191028.3, NM_001382216.1, NM_001382218.1 and 2 more transcripts); c.1246G>A, p.Val416Ile (NM_001382217.1); c.1021G>A, p.Val341Ile (NM_001382221.1); c.1018G>A, p.Val340Ile (NM_001382222.1); c.1159-1818G>A (NM_001382219.1); c.1165G>A (NM_012470.3); short protein forms V389I, V416I, V340I, V341I.
Identifiers: ClinVar variation 1975409 (VCV001975409.8), dbSNP rs373971432, ClinGen allele CA4478233.
Genomic context (GRCh38, chr7:128,993,908, plus strand): 5'-CCTTTACCAGGTCTGATACCCTCATGCGAAACTCCCCAAAGTCATCAGTCTCCTCAGGAA[C>T]CCCCTCCTAAAATATCAAATCAGATAACATCTGCTTTAAACTCACTGCGGCTTTCAATGA-3'
Protein context (NP_036602.1, residues 379-399): HCQLEPDHEG[Val389Ile]PEETDDFGEF

ClinVar aggregate classification (germline): Uncertain significance. Review status: criteria provided, multiple submitters, no conflicts (2 of 4 stars). 3 submissions from 3 submitters: Uncertain significance (3). Last evaluated 2024-10-24.

Conditions:
Inborn genetic diseases. Identifiers: MedGen C0950123, MeSH D030342.
Autosomal dominant limb-girdle muscular dystrophy type 1F (LGMDD2). Also called: Limb-girdle muscular dystrophy, type 1F; MUSCULAR DYSTROPHY, LIMB-GIRDLE, AUTOSOMAL DOMINANT 2. Identifiers: Orphanet 55595, MedGen C1842062, MONDO:0012034, OMIM 608423.

Allele frequency attached by ClinVar (database versions not stated): gnomAD exomes 0.00002; TOPMed 0.00002; gnomAD 0.00003; ExAC 0.00004; ESP Exome Variant Server 0.00008.
gnomAD v4.1: 29 of 1,613,662 alleles (0.0018%); highest among the groups gnomAD compares: African/African-American, 0.0027%; no homozygotes.

Submissions (3):

Labcorp Genetics (formerly Invitae), Labcorp
Classification: Uncertain significance for Autosomal dominant limb-girdle muscular dystrophy type 1F. Last evaluated: 2024-10-24. Review status: criteria provided, single submitter. Criteria: Invitae Variant Classification Sherloc (09022015). Collection method: clinical testing. Allele origin: germline.
Comment: This sequence change replaces valine, which is neutral and non-polar, with isoleucine, which is neutral and non-polar, at codon 389 of the TNPO3 protein (p.Val389Ile). This variant is present in population databases (rs373971432, gnomAD 0.008%). This variant has not been reported in the literature in individuals affected with TNPO3-related conditions. ClinVar contains an entry for this variant (Variation ID: 1975409). Invitae Evidence Modeling of protein sequence and biophysical properties (such as structural, functional, and spatial information, amino acid conservation, physicochemical variation, residue mobility, and thermodynamic stability) indicates that this missense variant is not expected to disrupt TNPO3 protein function with a negative predictive value of 80%. In summary, the available evidence is currently insufficient to determine the role of this variant in disease. Therefore, it has been classified as a Variant of Uncertain Significance.

Women's Health and Genetics/Laboratory Corporation of America, LabCorp
Classification: Uncertain significance. Last evaluated: 2023-10-03. Review status: criteria provided, single submitter. Criteria: LabCorp Variant Classification Summary - May 2015. Collection method: clinical testing. Allele origin: germline.
Comment: Variant summary: TNPO3 c.1165G>A (p.Val389Ile) results in a conservative amino acid change in the encoded protein sequence. Four of five in-silico tools predict a benign effect of the variant on protein function. The variant allele was found at a frequency of 2.8e-05 in 250990 control chromosomes (gnomAD). The available data on variant occurrences in the general population are insufficient to allow any conclusion about variant significance. To our knowledge, no occurrence of c.1165G>A in individuals affected with Autosomal Dominant Limb-Girdle Muscular Dystrophy Type 1F and no experimental evidence demonstrating its impact on protein function have been reported. Two submitters have cited clinical-significance assessments for this variant to ClinVar after 2014. Both submitters classified the variant as uncertain significance. Based on the evidence outlined above, the variant was classified as uncertain significance.

Ambry Genetics
Classification: Uncertain significance for Inborn genetic diseases. Last evaluated: 2023-02-27. Review status: criteria provided, single submitter. Criteria: Ambry Variant Classification Scheme 2023. Collection method: clinical testing. Allele origin: germline.